The following is an entry in ClinVar:

NM_000088.4(COL1A1):c.3559G>T (p.Gly1187Cys)

Gene: COL1A1 (collagen type I alpha 1 chain; minus strand). Cytogenetic location: 17q21.33.
Variant type: single nucleotide variant.
Coding change: c.3559G>T on transcript NM_000088.4 (MANE Select); coding-DNA position 3559, G replaced by T.
Protein change: p.Gly1187Cys; replaces glycine 1187 with cysteine.
Molecular consequence: missense variant.
Genome position (GRCh38, 1-based): chr17:50,186,895, C>A on the plus strand (G>T on the coding strand, the complement: COL1A1 is on the minus strand). VCF-style: chr17-50186895-C-A. GRCh37 (hg19) VCF-style: chr17-48264256-C-A.
Other names: short protein forms G1187C.
Identifiers: ClinVar variation 1732668 (VCV001732668.2), dbSNP rs72656332, ClinGen allele CA400198281.
Genomic context (GRCh38, chr17:50,186,895, plus strand): 5'-CTTGAGGTGGCTGGGGCAGGAAGCTGAAGTCGAAACCAGCGCTGGGAGGACCAGGGGGAC[C>A]AGGAGGTCCAGGAGGGCCGGGGGGACCCTGCACAGAGAGGGAAGAGAGTGGGGATTACCG-3'
Protein context (NP_000079.2, residues 1177-1197): VGPPGPPGPP[Gly1187Cys]PPGPPSAGFD

ClinVar aggregate classification (germline): Likely pathogenic (1 of 4 stars; one submission).

Conditions:
Cardiovascular phenotype. Identifiers: MedGen CN230736.

Submission:

Ambry Genetics
Classification: Likely pathogenic for Cardiovascular phenotype. Last evaluated: 2019-10-07. Review status: criteria provided, single submitter. Criteria: Ambry Variant Classification Scheme 2023. Collection method: clinical testing. Allele origin: germline.
Comment: The p.G1187C variant (also known as c.3559G>T), located in coding exon 48 of the COL1A1 gene, results from a G to T substitution at nucleotide position 3559. The glycine at codon 1187 is replaced by cysteine, an amino acid with highly dissimilar properties. The majority of pathogenic mutations identified to date in COL1A1 have involved the substitution of another amino acid for glycine within the triple-helical domain (Dagleish R. Nucleic Acids Res. 1997 Jan 1;25(1):181-7; Marini JC et al. Hum Mutat. 2007 Mar;28(3):209-21; Bardai G et al. Osteoporos Int 2016 Dec;27(12):3607-3613). This particular glycine substitution has been previously reported an individual with a clinical diagnosis of osteogenesis imperfecta (Zhang H et al. Mol Med Rep, 2016 Nov;14:4918-4926; Li L et al. Hum. Mutat., 2019 May;40:588-600). Internal structural analysis indicates that this alteration disrupts the characteristic G-X-Y motif in the COL1A1 protein and inserts a bulky side chain into a sterically-constrained region (Bella J et al. Science. 1994;266:75-81; Hohenester E et al. Proc. Natl. Acad. Sci. U.S.A. 2008;105:18273-7; Ambry internal data). This amino acid position is highly conserved in available vertebrate species. In addition, this alteration is predicted to be deleterious by in silico analysis. Based on the majority of available evidence to date, this variant is likely to be pathogenic.

Literature cited by the submitters: PubMed 27748872; PubMed 30715774.